The following is an entry in ClinVar:

ClinVar aggregate classification (germline): Uncertain significance (1 of 4 stars; one submission).

Submission:

Labcorp Genetics (formerly Invitae), Labcorp
Classification: Uncertain significance. Last evaluated: 2025-05-19. Review status: criteria provided, single submitter. Criteria: Invitae Variant Classification Sherloc (09022015). Collection method: clinical testing. Allele origin: germline.
Comment: This sequence change creates a premature translational stop signal (p.Ser1291Leufs*2) in the NPAT gene. It is expected to result in an absent or disrupted protein product. However, the current clinical and genetic evidence is not sufficient to establish whether loss-of-function variants in NPAT cause disease. This variant is not present in population databases (gnomAD no frequency). This variant has not been reported in the literature in individuals affected with NPAT-related conditions. In summary, the available evidence is currently insufficient to determine the role of this variant in disease. Therefore, it has been classified as a Variant of Uncertain Significance.

NM_002519.3(NPAT):c.3870dup (p.Ser1291fs)

Gene: NPAT (nuclear protein, coactivator of histone transcription; minus strand). Cytogenetic location: 11q22.3.
Variant type: Duplication.
Coding change: c.3870dup on transcript NM_002519.3 (MANE Select); coding-DNA position 3870, one base duplicated (C; older notation c.3870dupC).
Protein change: p.Ser1291fs; shifts the reading frame from serine 1291.
Molecular consequence: frameshift variant.
Genome position (GRCh38, 1-based): chr11:108,161,216, G duplicated on the plus strand (C on the coding strand, the reverse complement: NPAT is on the minus strand); the first of 5 consecutive G bases (chr11:108,161,216-108,161,220); duplicating any one gives the same sequence. VCF-style (leftmost placement, unchanged base first): chr11-108161215-A-AG. GRCh37 (hg19) VCF-style: chr11-108031942-A-AG.
Other names: c.3891dup, p.Ser1298fs (NM_001321307.1); short protein forms S1298fs, S1291fs.
Identifiers: ClinVar variation 4762482 (VCV004762482.1).
Genomic context (GRCh38, chr11:108,161,215, plus strand): 5'-GGGTGACAGGAGGGACCATTACTTTTGATGTACTACTGTCTTCACTGAAACGCCTACTAG[A>AG]GGGGGCCTTGATAATATCTATAGGTTCTTCTTTATGTTTTTCCCCTGCCCCTGAGCCAGG-3'